The following is an entry in ClinVar:

NM_004082.5(DCTN1):c.1082A>G (p.Lys361Arg)

Gene: DCTN1 (dynactin subunit 1; minus strand). Cytogenetic location: 2p13.1.
Variant type: single nucleotide variant.
Coding change: c.1082A>G on transcript NM_004082.5 (MANE Select); coding-DNA position 1082, A replaced by G.
Protein change: p.Lys361Arg; replaces lysine 361 with arginine.
Molecular consequence: missense variant. On other transcripts: non-coding transcript variant (1).
Genome position (GRCh38, 1-based): chr2:74,370,511, T>C on the plus strand (A>G on the coding strand, the complement: DCTN1 is on the minus strand). VCF-style: chr2-74370511-T-C. GRCh37 (hg19) VCF-style: chr2-74597638-T-C.
Other names: c.1082A>G (NM_004082.4); c.1022A>G, p.Lys341Arg (NM_001135040.3); c.680A>G, p.Lys227Arg (NM_001135041.3, NM_023019.4); c.971A>G, p.Lys324Arg (NM_001190836.2); c.1061A>G, p.Lys354Arg (NM_001190837.2); c.1031A>G, p.Lys344Arg (NM_001378991.1); c.1013A>G, p.Lys338Arg (NM_001378992.1); short protein forms K344R, K354R, K227R, K324R, K338R, K361R, K341R.
Identifiers: ClinVar variation 1508966 (VCV001508966.7), dbSNP rs1299296008, ClinGen allele CA347363286.
Genomic context (GRCh38, chr2:74,370,511, plus strand): 5'-CACTGAAGACCCTACCTCACCAGGGCATCCTTCAGGCGGGCATTCTGCTCCTCAAGCTGC[T>C]TGAGCTGATAACTGGATGCAGCGCCATCTGAGCCTGGAGAAGATCATTAACACTTTCAGG-3'
Protein context (NP_004073.2, residues 351-371): SDGAASSYQL[Lys361Arg]QLEEQNARLK

ClinVar aggregate classification (germline): Conflicting classifications of pathogenicity. Review status: criteria provided, conflicting classifications (1 of 4 stars). 2 submissions from 2 submitters: Uncertain significance (1); Likely benign (1). Last evaluated 2025-07-20.

Conditions:
Inborn genetic diseases. Identifiers: MedGen C0950123, MeSH D030342.
Amyotrophic lateral sclerosis type 1 (ALS1). Also called: AMYOTROPHIC LATERAL SCLEROSIS 1, FAMILIAL. Identifiers: Orphanet 803, MedGen C1862939, MONDO:0007103, OMIM 105400.
Perry syndrome. Also called: PARKINSONISM WITH ALVEOLAR HYPOVENTILATION AND MENTAL DEPRESSION. Identifiers: Orphanet 178509, MedGen C1868594, MONDO:0008201, OMIM 168605.
Neuronopathy, distal hereditary motor, type 7B. Also called: Distal Hereditary Motor Neuronopathy Type 7B (dHMN7B); HMN VIIB; LOWER MOTOR NEURON DISEASE, DYNACTIN TYPE; NEURONOPATHY, DISTAL HEREDITARY MOTOR, AUTOSOMAL DOMINANT 14; NEURONOPATHY, DISTAL HEREDITARY MOTOR, HARDING TYPE VIIB; NEUROPATHY, DISTAL HEREDITARY MOTOR, HARDING TYPE VIIB. Identifiers: Orphanet 139589, MedGen C1843315, MONDO:0011879, OMIM 607641.

Allele frequency attached by ClinVar (database versions not stated): gnomAD exomes below 0.00001 and 0.00002; TOPMed 0.00001.
gnomAD v4.1: 5 of 1,614,202 alleles (0.00031%); highest among the groups gnomAD compares: East Asian, 0.011%; no homozygotes.

Submissions (2):

Labcorp Genetics (formerly Invitae), Labcorp
Classification: Uncertain significance for Amyotrophic lateral sclerosis type 1; Neuronopathy, distal hereditary motor, type 7B; Perry syndrome. Last evaluated: 2025-07-20. Review status: criteria provided, single submitter. Criteria: Invitae Variant Classification Sherloc (09022015). Collection method: clinical testing. Allele origin: germline.
Comment: This sequence change replaces lysine, which is basic and polar, with arginine, which is basic and polar, at codon 361 of the DCTN1 protein (p.Lys361Arg). This variant is present in population databases (no rsID available, gnomAD 0.03%). This variant has not been reported in the literature in individuals affected with DCTN1-related conditions. ClinVar contains an entry for this variant (Variation ID: 1508966). Invitae Evidence Modeling of protein sequence and biophysical properties (such as structural, functional, and spatial information, amino acid conservation, physicochemical variation, residue mobility, and thermodynamic stability) indicates that this missense variant is not expected to disrupt DCTN1 protein function with a negative predictive value of 95%. In summary, the available evidence is currently insufficient to determine the role of this variant in disease. Therefore, it has been classified as a Variant of Uncertain Significance.

Ambry Genetics
Classification: Likely benign for Inborn genetic diseases. Last evaluated: 2023-05-31. Review status: criteria provided, single submitter. Criteria: Ambry Variant Classification Scheme 2023. Collection method: clinical testing. Allele origin: germline.